The following is an entry in ClinVar:

NM_004100.5(EYA4):c.438-4T>G

Gene: EYA4 (EYA transcriptional coactivator and phosphatase 4; plus strand). Cytogenetic location: 6q23.2.
Variant type: single nucleotide variant.
Coding change: c.438-4T>G on transcript NM_004100.5 (MANE Select); 4 bases into the intron before coding-DNA position 438, T replaced by G.
Molecular consequence: intron variant.
Genome position (GRCh38, 1-based): chr6:133,462,331, T>G. VCF-style: chr6-133462331-T-G. GRCh37 (hg19) VCF-style: chr6-133783469-T-G.
Other names: c.438-4T>G (NM_001301013.2, NM_172105.4); c.369-4T>G (NM_001370458.1, NM_172103.4); c.276-4T>G (NM_001370459.1, NM_001301012.2).
Identifiers: ClinVar variation 4525800 (VCV004525800.1).
Genomic context (GRCh38, chr6:133,462,331, plus strand): 5'-CTAGGCTGTCTAAATTAATACACAGTCTTTGTTGCCACAGTAATGCTATTTTTCTGATAT[T>G]TAGGCCCTATCCACACATTCTTTCTACACCAGCAGCTCAAACAATGTCTGCCTATGCAGG-3'

ClinVar aggregate classification (germline): Uncertain significance (1 of 4 stars; one submission).

Submission:

Women's Health and Genetics/Laboratory Corporation of America, LabCorp
Classification: Uncertain significance. Last evaluated: 2025-07-17. Review status: criteria provided, single submitter. Criteria: LabCorp Variant Classification Summary - May 2015. Collection method: clinical testing. Allele origin: germline.
Comment: Variant summary: EYA4 c.438-4T>G alters a conserved nucleotide located at a position not widely known to affect splicing. Several computational tools predict a significant impact on normal splicing: One predict the variant abolishes a 3' acceptor site. Two predict the variant weakens a 3' acceptor site. However, these predictions have yet to be confirmed by functional studies. The variant was absent in 251362 control chromosomes. The available data on variant occurrences in the general population are insufficient to allow any conclusion about variant significance. To our knowledge, no occurrence of c.438-4T>G in individuals affected with Dilated Cardiomyopathy and no experimental evidence demonstrating its impact on protein function have been reported. No submitters have cited clinical-significance assessments for this variant to ClinVar. Based on the evidence outlined above, the variant was classified as uncertain significance.